The following is an entry in ClinVar:

NM_006059.4(LAMC3):c.4283G>T (p.Arg1428Met)

Gene: LAMC3 (laminin subunit gamma 3; plus strand). Cytogenetic location: 9q34.12.
Variant type: single nucleotide variant.
Coding change: c.4283G>T on transcript NM_006059.4 (MANE Select); coding-DNA position 4283, G replaced by T.
Protein change: p.Arg1428Met; replaces arginine 1428 with methionine.
Molecular consequence: missense variant.
Genome position (GRCh38, 1-based): chr9:131,087,528, G>T. VCF-style: chr9-131087528-G-T. GRCh37 (hg19) VCF-style: chr9-133962915-G-T.
Other names: c.4283G>T (NM_006059.3); short protein forms R1428M.
Identifiers: ClinVar variation 1364042 (VCV001364042.7), dbSNP rs542639370, ClinGen allele CA5288117.

ClinVar aggregate classification (germline): Uncertain significance. Review status: criteria provided, multiple submitters, no conflicts (2 of 4 stars). 2 submissions from 2 submitters: Uncertain significance (2). Last evaluated 2026-01-18.

Conditions:
Inborn genetic diseases. Identifiers: MedGen C0950123, MeSH D030342.

Allele frequency attached by ClinVar (database versions not stated): gnomAD exomes 0.00001 and 0.00002; ExAC 0.00002; gnomAD 0.00011; TOPMed 0.00011; 1000 Genomes Project 30x 0.00016; 1000 Genomes Project 0.00020.
gnomAD v4.1: 25 of 1,613,796 alleles (0.0015%); highest among the groups gnomAD compares: African/African-American, 0.029%; no homozygotes.

Submissions (2):

Labcorp Genetics (formerly Invitae), Labcorp
Classification: Uncertain significance. Last evaluated: 2026-01-18. Review status: criteria provided, single submitter. Criteria: Invitae Variant Classification Sherloc (09022015). Collection method: clinical testing. Allele origin: germline.
Comment: This sequence change replaces arginine, which is basic and polar, with methionine, which is neutral and non-polar, at codon 1428 of the LAMC3 protein (p.Arg1428Met). This variant is present in population databases (rs542639370, gnomAD 0.04%). This variant has not been reported in the literature in individuals affected with LAMC3-related conditions. ClinVar contains an entry for this variant (Variation ID: 1364042). An algorithm developed to predict the effect of missense changes on protein structure and function (PolyPhen-2) suggests that this variant is likely to be disruptive. In summary, the available evidence is currently insufficient to determine the role of this variant in disease. Therefore, it has been classified as a Variant of Uncertain Significance.

Ambry Genetics
Classification: Uncertain significance for Inborn genetic diseases. Last evaluated: 2025-06-30. Review status: criteria provided, single submitter. Criteria: Ambry Variant Classification Scheme 2023. Collection method: clinical testing. Allele origin: germline.